The following is an entry in ClinVar:

ClinVar aggregate classification (germline): Likely benign (0 of 4 stars; one submission).

Conditions:
PKD1-related disorder. Also called: PKD1-related condition.

gnomAD v4.1: 16 of 1,587,032 alleles (0.001%); highest among the groups gnomAD compares: Admixed American, 0.0018%; no homozygotes.

Submission:

PreventionGenetics, part of Exact Sciences
Classification: Likely benign for PKD1-related condition. Last evaluated: 2024-07-30. Review status: no assertion criteria provided. Collection method: clinical testing. Allele origin: germline.
Comment: This variant is classified as likely benign based on ACMG/AMP sequence variant interpretation guidelines (Richards et al. 2015 PMID: 25741868, with internal and published modifications).

NM_001009944.3(PKD1):c.5499C>T (p.Thr1833=)

Gene: PKD1 (polycystin 1, transient receptor potential channel interacting; minus strand). Cytogenetic location: 16p13.3.
Variant type: single nucleotide variant.
Coding change: c.5499C>T on transcript NM_001009944.3 (MANE Select); coding-DNA position 5499, C replaced by T.
Protein change: p.Thr1833=; no amino-acid change (threonine 1833 retained).
Molecular consequence: synonymous variant.
Genome position (GRCh38, 1-based): chr16:2,109,668, G>A on the plus strand (C>T on the coding strand, the complement: PKD1 is on the minus strand). VCF-style: chr16-2109668-G-A. GRCh37 (hg19) VCF-style: chr16-2159669-G-A.
Other names: c.5499C>T, p.Thr1833= (NM_000296.4).
Identifiers: ClinVar variation 3350568 (VCV003350568.1).